The following is an entry in ClinVar:

NM_001367916.1(MAGT1):c.956C>T (p.Ser319Phe)

Gene: MAGT1 (magnesium transporter 1; minus strand). Cytogenetic location: Xq21.1.
Variant type: single nucleotide variant.
Coding change: c.956C>T on transcript NM_001367916.1 (MANE Select); coding-DNA position 956, C replaced by T.
Protein change: p.Ser319Phe; replaces serine 319 with phenylalanine.
Molecular consequence: missense variant.
Genome position (GRCh38, 1-based): chrX:77,830,841, G>A on the plus strand (C>T on the coding strand, the complement: MAGT1 is on the minus strand). VCF-style: chrX-77830841-G-A. GRCh37 (hg19) VCF-style: chrX-77086338-G-A.
Other names: c.1052C>T, p.Ser351Phe (NM_032121.5); short protein forms S319F, S351F.
Identifiers: ClinVar variation 5017856 (VCV005017856.1).

ClinVar aggregate classification (germline): Uncertain significance (1 of 4 stars; one submission).

gnomAD v4.1: 1 of 1,161,126 alleles (0.000086%); highest among the groups gnomAD compares: Non-Finnish European, 0.00012%; no homozygotes.

Submission:

GeneDx
Classification: Uncertain significance. Last evaluated: 2026-03-28. Review status: criteria provided, single submitter. Criteria: GeneDx Variant Classification Process June 2021. Collection method: clinical testing. Allele origin: germline.
Comment: Not observed at significant frequency in large population cohorts (gnomAD); In silico analysis supports that this missense variant has a deleterious effect on protein structure/function; Has not been previously published as pathogenic or benign to our knowledge